The following is an entry in ClinVar:

ClinVar aggregate classification (germline): Uncertain significance (1 of 4 stars; one submission).

Submission:

Labcorp Genetics (formerly Invitae), Labcorp
Classification: Uncertain significance. Last evaluated: 2025-10-23. Review status: criteria provided, single submitter. Criteria: Invitae Variant Classification Sherloc (09022015). Collection method: clinical testing. Allele origin: germline.
Comment: This sequence change replaces aspartic acid, which is acidic and polar, with histidine, which is basic and polar, at codon 787 of the DNA2 protein (p.Asp787His). This variant is not present in population databases (gnomAD no frequency). This variant has not been reported in the literature in individuals affected with DNA2-related conditions. Invitae Evidence Modeling of protein sequence and biophysical properties (such as structural, functional, and spatial information, amino acid conservation, physicochemical variation, residue mobility, and thermodynamic stability) indicates that this missense variant is expected to disrupt DNA2 protein function with a positive predictive value of 80%. In summary, the available evidence is currently insufficient to determine the role of this variant in disease. Therefore, it has been classified as a Variant of Uncertain Significance.

NM_001080449.3(DNA2):c.2359G>C (p.Asp787His)

Gene: DNA2 (DNA replication helicase/nuclease 2; minus strand). Cytogenetic location: 10q21.3.
Variant type: single nucleotide variant.
Coding change: c.2359G>C on transcript NM_001080449.3 (MANE Select); coding-DNA position 2359, G replaced by C.
Protein change: p.Asp787His; replaces aspartic acid 787 with histidine.
Molecular consequence: missense variant. On other transcripts: non-coding transcript variant (1).
Genome position (GRCh38, 1-based): chr10:68,422,740, C>G on the plus strand (G>C on the coding strand, the complement: DNA2 is on the minus strand). VCF-style: chr10-68422740-C-G. GRCh37 (hg19) VCF-style: chr10-70182497-C-G.
Other names: short protein forms D787H.
Identifiers: ClinVar variation 4741517 (VCV004741517.1).
Genomic context (GRCh38, chr10:68,422,740, plus strand): 5'-CTTAAGTGTCTGCCTACCTTGCTTCACGGTTTAGCACCAGGGGAGGAAGCTGCTGATGGT[C>G]CCCCACTAACACAAATCTCCGTGAAAAAAAAAGGGGGCCCAGACAAATTGGTTGGCTAAT-3'
Protein context (NP_001073918.2, residues 777-797): FFSRRFVLVG[Asp787His]HQQLPPLVLN